The following is an entry in ClinVar:

ClinVar aggregate classification (germline): Conflicting classifications of pathogenicity. Review status: criteria provided, conflicting classifications (1 of 4 stars). 3 submissions from 3 submitters: Uncertain significance (2); Likely benign (1). Last evaluated 2024-02-26.

Conditions:
Imerslund-Grasbeck syndrome type 1 (IGS1). Also called: Megaloblastic anemia 1, Finnish type; MEGALOBLASTIC ANEMIA, 1; Imerslund-Gräsbeck syndrome 1. Identifiers: MedGen C4016819, MONDO:0100156, OMIM 261100.
Proteinuria, chronic benign. Identifiers: MedGen C5394384, MONDO:0030042, OMIM 618884.
Inborn genetic diseases. Identifiers: MedGen C0950123, MeSH D030342.
Imerslund-Grasbeck syndrome. Also called: Imerslund-Gräsbeck syndrome; Megaloblastic anemia due to inborn errors of metabolism; ENTEROCYTE COBALAMIN MALABSORPTION; ENTEROCYTE INTRINSIC FACTOR RECEPTOR, DEFECT OF; PERNICIOUS ANEMIA, JUVENILE, DUE TO SELECTIVE INTESTINAL MALABSORPTION OF VITAMIN B12, WITH PROTEINURIA. Identifiers: Orphanet 35858, MedGen C4551825, MONDO:0009853.

Allele frequency attached by ClinVar (database versions not stated): gnomAD 0.00010 and 0.00009; TOPMed 0.00013; gnomAD exomes 0.00012 and 0.00003; ESP Exome Variant Server 0.00008; ExAC 0.00011.
gnomAD v4.1: 61 of 1,613,752 alleles (0.0038%); highest among the groups gnomAD compares: East Asian, 0.096%; no homozygotes.

Submissions (3):

Fulgent Genetics
Classification: Uncertain significance for Imerslund-Grasbeck syndrome type 1; Proteinuria, chronic benign. Last evaluated: 2024-02-26. Review status: criteria provided, single submitter. Criteria: ACMG Guidelines, 2015. Collection method: clinical testing. Allele origin: germline.

Ambry Genetics
Classification: Likely benign for Inborn genetic diseases. Last evaluated: 2024-01-24. Review status: criteria provided, single submitter. Criteria: Ambry Variant Classification Scheme 2023. Collection method: clinical testing. Allele origin: germline.

Labcorp Genetics (formerly Invitae), Labcorp
Classification: Uncertain significance for Imerslund-Grasbeck syndrome. Last evaluated: 2022-06-20. Review status: criteria provided, single submitter. Criteria: Invitae Variant Classification Sherloc (09022015). Collection method: clinical testing. Allele origin: germline.
Comment: ClinVar contains an entry for this variant (Variation ID: 858289). This variant has not been reported in the literature in individuals affected with CUBN-related conditions. This variant is present in population databases (rs147955566, gnomAD 0.1%). This sequence change replaces glutamine, which is neutral and polar, with arginine, which is basic and polar, at codon 965 of the CUBN protein (p.Gln965Arg). Algorithms developed to predict the effect of missense changes on protein structure and function are either unavailable or do not agree on the potential impact of this missense change (SIFT: "Tolerated"; PolyPhen-2: "Possibly Damaging"; Align-GVGD: "Class C0"). In summary, the available evidence is currently insufficient to determine the role of this variant in disease. Therefore, it has been classified as a Variant of Uncertain Significance.

NM_001081.4(CUBN):c.2894A>G (p.Gln965Arg)

Gene: CUBN (cubilin; minus strand). Cytogenetic location: 10p13.
Variant type: single nucleotide variant.
Coding change: c.2894A>G on transcript NM_001081.4 (MANE Select); coding-DNA position 2894, A replaced by G.
Protein change: p.Gln965Arg; replaces glutamine 965 with arginine.
Molecular consequence: missense variant.
Genome position (GRCh38, 1-based): chr10:17,068,178, T>C on the plus strand (A>G on the coding strand, the complement: CUBN is on the minus strand). VCF-style: chr10-17068178-T-C. GRCh37 (hg19) VCF-style: chr10-17110177-T-C.
Other names: short protein forms Q965R.
Identifiers: ClinVar variation 858289 (VCV000858289.10), dbSNP rs147955566, ClinGen allele CA5424832.
Genomic context (GRCh38, chr10:17,068,178, plus strand): 5'-CAATTGTAATGAAACTCCAGATGAAATGTTTCGAACATTAAATGAATCAGGTGATTAGGT[T>C]GGACTAATATATGCCAAGTACAGTTGATACCGTGGGGGTAGACATTTGGATGGCCAGGAC-3'
Protein context (NP_001072.2, residues 955-975): GINCTWHILV[Gln965Arg]PNHLIHLMFE